The following is an entry in ClinVar:

NM_199420.4(POLQ):c.130G>A (p.Gly44Ser)

Genes: POLQ (DNA polymerase theta; minus strand), LOC112872292 (Sharpr-MPRA regulatory region 30; plus strand). Cytogenetic location: 3q13.33.
Variant type: single nucleotide variant.
Coding change: c.130G>A on transcript NM_199420.4 (MANE Select); coding-DNA position 130, G replaced by A.
Protein change: p.Gly44Ser; replaces glycine 44 with serine.
Molecular consequence: missense variant.
Genome position (GRCh38, 1-based): chr3:121,545,748, C>T on the plus strand (G>A on the coding strand, the complement: POLQ is on the minus strand). VCF-style: chr3-121545748-C-T. GRCh37 (hg19) VCF-style: chr3-121264595-C-T.
Other names: short protein forms G44S.
Identifiers: ClinVar variation 2497187 (VCV002497187.2), dbSNP rs1222557677, ClinGen allele CA354096995.
Genomic context (GRCh38, chr3:121,545,748, plus strand): 5'-CCGCGGCCTCCCGGGTTCCTGGAGCACCTGCAGCTGCGGCCTTCAGGCAGCGACCAAGGC[C>T]GGGCGGCGGGCTCAGCACGGACCCGGAGAGGAACTGGGGGCTGGCACTGCTGTCACCGCC-3'
Protein context (NP_955452.3, residues 34-54): LSGSVLSPPP[Gly44Ser]LGRCLKAAAA

ClinVar aggregate classification (germline): Uncertain significance (1 of 4 stars; one submission).

Allele frequency attached by ClinVar (database versions not stated): gnomAD exomes below 0.00001; TOPMed below 0.00001; gnomAD 0.00001.

Submission:

Ambry Genetics
Classification: Uncertain significance. Last evaluated: 2023-02-23. Review status: criteria provided, single submitter. Criteria: Ambry Variant Classification Scheme 2023. Collection method: clinical testing. Allele origin: germline.
Comment: The p.G44S variant (also known as c.130G>A), located in coding exon 1 of the POLQ gene, results from a G to A substitution at nucleotide position 130. The glycine at codon 44 is replaced by serine, an amino acid with similar properties. This amino acid position is conserved. In addition, this alteration is predicted to be tolerated by in silico analysis. Since supporting evidence is limited at this time, the clinical significance of this alteration remains unclear.